The following is an entry in ClinVar:

ClinVar aggregate classification (germline): Likely benign. Review status: criteria provided, multiple submitters, no conflicts (2 of 4 stars). 3 submissions from 3 submitters: Likely benign (2). 1 of the submissions does not count toward it. Last evaluated 2026-01-13.

Conditions:
COL4A4-related disorder.

Allele frequency attached by ClinVar (database versions not stated): gnomAD exomes 0.00006 and 0.00015; ExAC 0.00007; ESP Exome Variant Server 0.00008; gnomAD 0.00009; TOPMed 0.00011.
gnomAD v4.1: 242 of 1,614,066 alleles (0.015%); highest among the groups gnomAD compares: Non-Finnish European, 0.019%; no homozygotes.

Submissions (3):

Labcorp Genetics (formerly Invitae), Labcorp
Classification: Likely benign. Last evaluated: 2026-01-13. Review status: criteria provided, single submitter. Criteria: Invitae Variant Classification Sherloc (09022015). Collection method: clinical testing. Allele origin: germline.

GeneDx
Classification: Likely benign. Last evaluated: 2019-01-31. Review status: criteria provided, single submitter. Criteria: GeneDx Variant Classification Process June 2021. Collection method: clinical testing. Allele origin: germline. Affected: yes.

PreventionGenetics, part of Exact Sciences
Classification: Likely benign for COL4A4-related condition. Last evaluated: 2019-11-12. Review status: no assertion criteria provided. Collection method: clinical testing. Allele origin: germline. Not counted in ClinVar's aggregate classification.
Comment: This variant is classified as likely benign based on ACMG/AMP sequence variant interpretation guidelines (Richards et al. 2015 PMID: 25741868, with internal and published modifications).

NM_000092.5(COL4A4):c.1527G>A (p.Gly509=)

Gene: COL4A4 (collagen type IV alpha 4 chain; minus strand). Cytogenetic location: 2q36.3.
Variant type: single nucleotide variant.
Coding change: c.1527G>A on transcript NM_000092.5 (MANE Select); coding-DNA position 1527, G replaced by A.
Protein change: p.Gly509=; no amino-acid change (glycine 509 retained).
Molecular consequence: synonymous variant.
Genome position (GRCh38, 1-based): chr2:227,088,749, C>T on the plus strand (G>A on the coding strand, the complement: COL4A4 is on the minus strand). VCF-style: chr2-227088749-C-T. GRCh37 (hg19) VCF-style: chr2-227953465-C-T.
Identifiers: ClinVar variation 1158771 (VCV001158771.13), dbSNP rs201160539, ClinGen allele CA2145139.